The following is an entry in ClinVar:

NC_000017.10:g.(?_78234650)_(78237578_78247039)del

Gene: RNF213 (ring finger protein 213; plus strand). Cytogenetic location: 17q25.3.
Variant type: Deletion.
Identifiers: ClinVar variation 3902764 (VCV003902764.1).

ClinVar aggregate classification (germline): Uncertain significance (1 of 4 stars; one submission).

Submission:

Women's Health and Genetics/Laboratory Corporation of America, LabCorp
Classification: Uncertain significance. Last evaluated: 2025-05-22. Review status: criteria provided, single submitter. Criteria: LabCorp Variant Classification Summary - May 2015. Collection method: clinical testing. Allele origin: germline.
Comment: Variant summary: The variant involves the deletion of exons 1-2 in the RNF213 gene. The exact breakpoint at the 5' end of this variant is unknown, therefore this deletion may extend upstream of the annotated region of this gene. Although the exact breakpoints of this deletion are not known, it is predicted to remove the initiation codon and result in an absence of protein or a truncation of the encoded protein due to translation initiation at a downstream site. A presumed nomenclature of c.(?_-160)_(97+1_98-1)del has been designated for the purposes of this classification. Current evidence is not sufficient to establish loss of function as a mechanism for disease. The variant was absent in 21586 control chromosomes. The available data on variant occurrences in the general population are insufficient to allow any conclusion about variant significance. To our knowledge, no occurrence of c.(?_-160)_(97+1_98-1)del in individuals affected with Moyamoya Disease 2 and no experimental evidence demonstrating its impact on protein function have been reported. No submitters have cited clinical-significance assessments for this variant to ClinVar. Based on the evidence outlined above, the variant was classified as uncertain significance.